The following is an entry in ClinVar:

NM_001379500.1(COL18A1):c.2312C>T (p.Pro771Leu)

Gene: COL18A1 (collagen type XVIII alpha 1 chain; plus strand). Cytogenetic location: 21q22.3.
Variant type: single nucleotide variant.
Coding change: c.2312C>T on transcript NM_001379500.1 (MANE Select); coding-DNA position 2312, C replaced by T.
Protein change: p.Pro771Leu; replaces proline 771 with leucine.
Molecular consequence: missense variant.
Genome position (GRCh38, 1-based): chr21:45,493,535, C>T. VCF-style: chr21-45493535-C-T. GRCh37 (hg19) VCF-style: chr21-46913449-C-T.
Other names: c.2852C>T, p.Pro951Leu (NM_030582.4); c.3557C>T, p.Pro1186Leu (NM_130444.3); short protein forms P771L, P951L, P1186L.
Identifiers: ClinVar variation 1997946 (VCV001997946.4), dbSNP rs2517696016, ClinGen allele CA410497456.

ClinVar aggregate classification (germline): Uncertain significance (1 of 4 stars; one submission).

Submission:

Labcorp Genetics (formerly Invitae), Labcorp
Classification: Uncertain significance. Last evaluated: 2022-05-22. Review status: criteria provided, single submitter. Criteria: Invitae Variant Classification Sherloc (09022015). Collection method: clinical testing. Allele origin: germline.
Comment: This sequence change replaces proline, which is neutral and non-polar, with leucine, which is neutral and non-polar, at codon 771 of the COL18A1 protein (p.Pro771Leu). This variant is not present in population databases (gnomAD no frequency). This variant has not been reported in the literature in individuals affected with COL18A1-related conditions. Experimental studies and prediction algorithms are not available or were not evaluated, and the functional significance of this variant is currently unknown. In summary, the available evidence is currently insufficient to determine the role of this variant in disease. Therefore, it has been classified as a Variant of Uncertain Significance.